The following is an entry in ClinVar:

NM_001256627.2(BRSK2):c.91+21073G>A

Gene: BRSK2 (BR serine/threonine kinase 2; plus strand). Cytogenetic location: 11p15.5.
Variant type: single nucleotide variant.
Coding change: c.91+21073G>A on transcript NM_001256627.2 (MANE Select); 21073 bases into the intron after coding-DNA position 91, G replaced by A.
Molecular consequence: intron variant. On other transcripts: missense variant (2).
Genome position (GRCh38, 1-based): chr11:1,411,448, G>A. VCF-style: chr11-1411448-G-A. GRCh37 (hg19) VCF-style: chr11-1432678-G-A.
Other names: c.44G>A, p.Arg15Gln (NM_001256630.1, NM_001440667.1); c.91+21073G>A (NM_001440665.1, NM_001440668.1, NM_001440670.1 and 3 more transcripts); c.-90+1817G>A (NM_001440674.1); c.-90+1589G>A (NM_001440671.1, NM_001440672.1, NM_001440669.1 and 2 more transcripts); c.-90+542G>A (NM_001282218.2, NM_001440675.1); short protein forms R15Q.
Identifiers: ClinVar variation 4981445 (VCV004981445.1).

ClinVar aggregate classification (germline): Uncertain significance (1 of 4 stars; one submission).

Conditions:
BRSK2-related disorder. Also called: BRSK2-related condition; BRSK2-Related Disorders.

gnomAD v4.1: 19 of 1,467,420 alleles (0.0013%); highest among the groups gnomAD compares: African/African-American, 0.0029%; no homozygotes.

Submission:

PreventionGenetics, part of Exact Sciences
Classification: Uncertain significance for BRSK2-related condition. Last evaluated: 2026-08-25. Review status: criteria provided, single submitter. Criteria: ACMG Guidelines, 2015. Collection method: clinical testing. Allele origin: germline.
Comment: The BRSK2 c.44G>A variant is predicted to result in the amino acid substitution p.Arg15Gln. To our knowledge, this variant has not been reported in the literature. This variant is reported in 0.0056% of alleles in individuals of African descent in gnomAD. At this time, the clinical significance of this variant is uncertain due to the absence of conclusive functional and genetic evidence.